The following is an entry in ClinVar:

ClinVar aggregate classification (germline): Uncertain significance (1 of 4 stars; one submission).

Conditions:
Immunodeficiency 18 (IMD18). Also called: CD3-EPSILON DEFICIENCY; CD3epsilon deficiency. Identifiers: MedGen C3810127, MONDO:0014278, OMIM 615615.

Allele frequency attached by ClinVar (database versions not stated): gnomAD exomes 0.00001 and 0.00012; gnomAD 0.00004 and 0.00005; TOPMed 0.00004; ExAC 0.00013; 1000 Genomes Project 0.00020; 1000 Genomes Project 30x 0.00031.
gnomAD v4.1: 24 of 1,614,166 alleles (0.0015%); highest among the groups gnomAD compares: East Asian, 0.053%; no homozygotes.

Submission:

Labcorp Genetics (formerly Invitae), Labcorp
Classification: Uncertain significance for Immunodeficiency 18. Last evaluated: 2022-10-05. Review status: criteria provided, single submitter. Criteria: Invitae Variant Classification Sherloc (09022015). Collection method: clinical testing. Allele origin: germline.
Comment: This sequence change replaces serine, which is neutral and polar, with asparagine, which is neutral and polar, at codon 77 of the CD3E protein (p.Ser77Asn). This variant is present in population databases (rs202007244, gnomAD 0.2%). This variant has not been reported in the literature in individuals affected with CD3E-related conditions. ClinVar contains an entry for this variant (Variation ID: 1037281). Algorithms developed to predict the effect of missense changes on protein structure and function (SIFT, PolyPhen-2, Align-GVGD) all suggest that this variant is likely to be tolerated. In summary, the available evidence is currently insufficient to determine the role of this variant in disease. Therefore, it has been classified as a Variant of Uncertain Significance.

NM_000733.4(CD3E):c.230G>A (p.Ser77Asn)

Gene: CD3E (CD3 epsilon subunit of T-cell receptor complex; plus strand). Cytogenetic location: 11q23.3.
Variant type: single nucleotide variant.
Coding change: c.230G>A on transcript NM_000733.4 (MANE Select); coding-DNA position 230, G replaced by A.
Protein change: p.Ser77Asn; replaces serine 77 with asparagine.
Molecular consequence: missense variant.
Genome position (GRCh38, 1-based): chr11:118,312,744, G>A. VCF-style: chr11-118312744-G-A. GRCh37 (hg19) VCF-style: chr11-118183459-G-A.
Other names: short protein forms S77N.
Identifiers: ClinVar variation 1037281 (VCV001037281.6), dbSNP rs202007244, ClinGen allele CA6301646.